The following is an entry in ClinVar:

ClinVar aggregate classification (germline): Uncertain significance (1 of 4 stars; one submission).

Conditions:
Hereditary cancer-predisposing syndrome. Also called: Hereditary neoplastic syndrome; Hereditary Cancer Syndrome; Neoplastic Syndromes, Hereditary; Tumor predisposition. Identifiers: Orphanet 140162, MedGen C0027672, MeSH D009386, MONDO:0015356.

Submission:

Ambry Genetics
Classification: Uncertain significance for Hereditary cancer-predisposing syndrome. Last evaluated: 2023-05-09. Review status: criteria provided, single submitter. Criteria: Ambry Variant Classification Scheme 2023. Collection method: clinical testing. Allele origin: germline.
Comment: The p.Q1123K variant (also known as c.3367C>A), located in coding exon 15 of the APC gene, results from a C to A substitution at nucleotide position 3367. The glutamine at codon 1123 is replaced by lysine, an amino acid with similar properties. This amino acid position is conserved. In addition, in silico predictors for this gene do not accurately predict pathogenicity. Since supporting evidence is limited at this time, the clinical significance of this alteration remains unclear.

NM_000038.6(APC):c.3367C>A (p.Gln1123Lys)

Gene: APC (APC regulator of Wnt signaling pathway; plus strand). Cytogenetic location: 5q22.2.
Variant type: single nucleotide variant.
Coding change: c.3367C>A on transcript NM_000038.6 (MANE Select); coding-DNA position 3367, C replaced by A.
Protein change: p.Gln1123Lys; replaces glutamine 1123 with lysine.
Molecular consequence: missense variant. On other transcripts: non-coding transcript variant (2).
Genome position (GRCh38, 1-based): chr5:112,838,961, C>A. VCF-style: chr5-112838961-C-A. GRCh37 (hg19) VCF-style: chr5-112174658-C-A.
Other names: c.3367C>A, p.Gln1123Lys (NM_001127510.3, NM_001354895.2, NM_001407450.1); c.3313C>A, p.Gln1105Lys (NM_001127511.3); c.3421C>A, p.Gln1141Lys (NM_001354896.2, NM_001407447.1, NM_001407448.1 and 1 more transcripts); c.3397C>A, p.Gln1133Lys (NM_001354897.2); c.3292C>A, p.Gln1098Lys (NM_001354898.2); c.3283C>A, p.Gln1095Lys (NM_001354899.2); c.3244C>A, p.Gln1082Lys (NM_001354900.2); c.3190C>A, p.Gln1064Lys (NM_001354901.2, NM_001407453.1); and 11 more; short protein forms Q1032K, Q1064K, Q1113K, Q1151K, Q840K, Q1098K, Q1141K, Q739K.
Identifiers: ClinVar variation 2567028 (VCV002567028.2), dbSNP rs1580634617, ClinGen allele CA16028709.